The following is an entry in ClinVar:

ClinVar aggregate classification (germline): Uncertain significance (1 of 4 stars; one submission).

Conditions:
Mosaic variegated aneuploidy syndrome 1 (MVA1). Also called: Warburton-Anyane-Yeboa syndrome. Identifiers: Orphanet 1052, MedGen C1850343, MONDO:0009759, OMIM 257300.

gnomAD v4.1: 1 of 1,596,116 alleles (0.000063%); no homozygotes.

Submission:

Labcorp Genetics (formerly Invitae), Labcorp
Classification: Uncertain significance for Mosaic variegated aneuploidy syndrome 1. Last evaluated: 2025-11-27. Review status: criteria provided, single submitter. Criteria: Invitae Variant Classification Sherloc (09022015). Collection method: clinical testing. Allele origin: germline.
Comment: This sequence change falls in intron 17 of the BUB1B gene. It does not directly change the encoded amino acid sequence of the BUB1B protein. This variant is not present in population databases (gnomAD no frequency). This variant has not been reported in the literature in individuals affected with BUB1B-related conditions. ClinVar contains an entry for this variant (Variation ID: 533900). Algorithms developed to predict the effect of sequence changes on RNA splicing suggest that this variant may create or strengthen a splice site. In summary, the available evidence is currently insufficient to determine the role of this variant in disease. Therefore, it has been classified as a Variant of Uncertain Significance.

NM_001211.6(BUB1B):c.2285-4A>G

Gene: BUB1B (BUB1 mitotic checkpoint serine/threonine kinase B; plus strand). Cytogenetic location: 15q15.1.
Variant type: single nucleotide variant.
Coding change: c.2285-4A>G on transcript NM_001211.6 (MANE Select); 4 bases into the intron before coding-DNA position 2285, A replaced by G.
Molecular consequence: intron variant.
Genome position (GRCh38, 1-based): chr15:40,210,106, A>G. VCF-style: chr15-40210106-A-G. GRCh37 (hg19) VCF-style: chr15-40502307-A-G.
Identifiers: ClinVar variation 533900 (VCV000533900.10), dbSNP rs1555383523, ClinGen allele CA658798301.